The following is an entry in ClinVar:

NM_003331.5(TYK2):c.2380G>A (p.Ala794Thr)

Gene: TYK2 (tyrosine kinase 2; minus strand). Cytogenetic location: 19p13.2.
Variant type: single nucleotide variant.
Coding change: c.2380G>A on transcript NM_003331.5 (MANE Select); coding-DNA position 2380, G replaced by A.
Protein change: p.Ala794Thr; replaces alanine 794 with threonine.
Molecular consequence: missense variant.
Genome position (GRCh38, 1-based): chr19:10,357,850, C>T on the plus strand (G>A on the coding strand, the complement: TYK2 is on the minus strand). VCF-style: chr19-10357850-C-T. GRCh37 (hg19) VCF-style: chr19-10468526-C-T.
Other names: c.2380G>A, p.Ala794Thr (NM_001385197.1, NM_001385198.1, NM_001385200.1 and 2 more transcripts); c.2194G>A, p.Ala732Thr (NM_001385199.1); c.2182G>A, p.Ala728Thr (NM_001385201.1); c.2296G>A, p.Ala766Thr (NM_001385202.1); c.2290G>A, p.Ala764Thr (NM_001385205.1); c.2254G>A, p.Ala752Thr (NM_001385206.1); c.2362G>A, p.Ala788Thr (NM_001385207.1); short protein forms A728T, A794T, A766T, A732T, A752T, A764T, A788T.
Identifiers: ClinVar variation 1398242 (VCV001398242.8), dbSNP rs748433361, ClinGen allele CA403995641.

ClinVar aggregate classification (germline): Uncertain significance (1 of 4 stars; one submission).

Conditions:
Immunodeficiency 35 (IMD35). Also called: TYK2 DEFICIENCY; Susceptibility to infection due to TYK2 deficiency; HIES WITH ATYPICAL MYCOBACTERIOSIS, AUTOSOMAL RECESSIVE; HYPER-IgE SYNDROME WITH ATYPICAL MYCOBACTERIOSIS, AUTOSOMAL RECESSIVE. Identifiers: Orphanet 331226, MedGen C1969086, MONDO:0012682, OMIM 611521.

Allele frequency attached by ClinVar (database versions not stated): TOPMed below 0.00001.
gnomAD v4.1: 11 of 1,613,622 alleles (0.00068%); highest among the groups gnomAD compares: Non-Finnish European, 0.00085%; no homozygotes.

Submission:

Labcorp Genetics (formerly Invitae), Labcorp
Classification: Uncertain significance for Immunodeficiency 35. Last evaluated: 2022-02-28. Review status: criteria provided, single submitter. Criteria: Invitae Variant Classification Sherloc (09022015). Collection method: clinical testing. Allele origin: germline.
Comment: In summary, the available evidence is currently insufficient to determine the role of this variant in disease. Therefore, it has been classified as a Variant of Uncertain Significance. This sequence change replaces alanine, which is neutral and non-polar, with threonine, which is neutral and polar, at codon 794 of the TYK2 protein (p.Ala794Thr). This variant is not present in population databases (gnomAD no frequency). This variant has not been reported in the literature in individuals affected with TYK2-related conditions. Algorithms developed to predict the effect of missense changes on protein structure and function are either unavailable or do not agree on the potential impact of this missense change (SIFT: "Not Available"; PolyPhen-2: "Benign"; Align-GVGD: "Not Available").